The following is an entry in ClinVar:

ClinVar aggregate classification (germline): Uncertain significance (0 of 4 stars; one submission).

Conditions:
TBX3-related disorder. Also called: TBX3-related condition.

gnomAD v4.1: 10 of 1,580,956 alleles (0.00063%); highest among the groups gnomAD compares: Admixed American, 0.0018%; no homozygotes.

Submission:

PreventionGenetics, part of Exact Sciences
Classification: Uncertain significance for TBX3-related condition. Last evaluated: 2024-04-13. Review status: no assertion criteria provided. Collection method: clinical testing. Allele origin: germline.
Comment: The TBX3 c.1661C>T variant is predicted to result in the amino acid substitution p.Ser554Leu. To our knowledge, this variant has not been reported in the literature. This variant is reported in 0.0035% of alleles in individuals of Latino descent in gnomAD. At this time, the clinical significance of this variant is uncertain due to the absence of conclusive functional and genetic evidence.

NM_005996.4(TBX3):c.1601C>T (p.Ser534Leu)

Gene: TBX3 (T-box transcription factor 3; minus strand). Cytogenetic location: 12q24.21.
Variant type: single nucleotide variant.
Coding change: c.1601C>T on transcript NM_005996.4 (MANE Select); coding-DNA position 1601, C replaced by T.
Protein change: p.Ser534Leu; replaces serine 534 with leucine.
Molecular consequence: missense variant.
Genome position (GRCh38, 1-based): chr12:114,674,274, G>A on the plus strand (C>T on the coding strand, the complement: TBX3 is on the minus strand). VCF-style: chr12-114674274-G-A. GRCh37 (hg19) VCF-style: chr12-115112079-G-A.
Other names: c.1661C>T, p.Ser554Leu (NM_016569.4); short protein forms S534L, S554L.
Identifiers: ClinVar variation 3351103 (VCV003351103.1).